The following is an entry in ClinVar:

ClinVar aggregate classification (germline): Uncertain significance (1 of 4 stars; one submission).

Conditions:
Long QT syndrome (LQTS). Identifiers: MedGen C0023976, MeSH D008133, MONDO:0002442. Disease mechanism: loss of function. Inheritance: Various modes of inheritance.

Submission:

Labcorp Genetics (formerly Invitae), Labcorp
Classification: Uncertain significance for Long QT syndrome. Last evaluated: 2024-01-16. Review status: criteria provided, single submitter. Criteria: Invitae Variant Classification Sherloc (09022015). Collection method: clinical testing. Allele origin: germline.
Comment: This sequence change replaces valine, which is neutral and non-polar, with leucine, which is neutral and non-polar, at codon 2058 of the CACNA1C protein (p.Val2058Leu). This variant is not present in population databases (gnomAD no frequency). This variant has not been reported in the literature in individuals affected with CACNA1C-related conditions. Advanced modeling of protein sequence and biophysical properties (such as structural, functional, and spatial information, amino acid conservation, physicochemical variation, residue mobility, and thermodynamic stability) performed at Invitae indicates that this missense variant is not expected to disrupt CACNA1C protein function with a negative predictive value of 95%. In summary, the available evidence is currently insufficient to determine the role of this variant in disease. Therefore, it has been classified as a Variant of Uncertain Significance.

NM_000719.7(CACNA1C):c.6172G>C (p.Val2058Leu)

Genes: CACNA1C-AS1 (CACNA1C antisense RNA 1; minus strand), CACNA1C (calcium voltage-gated channel subunit alpha1 C; plus strand). Cytogenetic location: 12p13.33.
Variant type: single nucleotide variant.
Coding change: c.6172G>C on transcript NM_000719.7 (MANE Select); coding-DNA position 6172, G replaced by C.
Protein change: p.Val2058Leu; replaces valine 2058 with leucine.
Molecular consequence: missense variant. On other transcripts: non-coding transcript variant (1).
Genome position (GRCh38, 1-based): chr12:2,690,954, G>C. VCF-style: chr12-2690954-G-C. GRCh37 (hg19) VCF-style: chr12-2800120-G-C.
Other names: c.6229G>C, p.Val2077Leu (NM_001129833.2, NM_001129834.2, NM_001129835.2); c.6223G>C, p.Val2075Leu (NM_001129836.2); c.6196G>C, p.Val2066Leu (NM_001129837.2, NM_001129838.2); c.6190G>C, p.Val2064Leu (NM_001129839.2); c.6172G>C, p.Val2058Leu (NM_001129840.2, NM_001129841.2, NM_001129842.2 and 2 more transcripts); c.6316G>C, p.Val2106Leu (NM_001129827.2); c.6295G>C, p.Val2099Leu (NM_001129829.2); c.6277G>C, p.Val2093Leu (NM_001129830.3, NM_001167624.3); and 6 more; short protein forms V2047L, V2058L, V2077L, V2099L, V2075L, V2093L, V2118L, V2141L.
Identifiers: ClinVar variation 2916496 (VCV002916496.3), dbSNP rs2535477881, ClinGen allele CA383386246.